The following is an entry in ClinVar:

ClinVar aggregate classification (germline): Uncertain significance (1 of 4 stars; one submission).

Submission:

Labcorp Genetics (formerly Invitae), Labcorp
Classification: Uncertain significance. Last evaluated: 2025-08-09. Review status: criteria provided, single submitter. Criteria: Invitae Variant Classification Sherloc (09022015). Collection method: clinical testing. Allele origin: germline.
Comment: This sequence change replaces asparagine, which is neutral and polar, with lysine, which is basic and polar, at codon 1238 of the RAI1 protein (p.Asn1238Lys). This variant is present in population databases (no rsID available, gnomAD 0.007%). This variant has not been reported in the literature in individuals affected with RAI1-related conditions. ClinVar contains an entry for this variant (Variation ID: 3002389). Invitae Evidence Modeling of protein sequence and biophysical properties (such as structural, functional, and spatial information, amino acid conservation, physicochemical variation, residue mobility, and thermodynamic stability) indicates that this missense variant is not expected to disrupt RAI1 protein function with a negative predictive value of 80%. In summary, the available evidence is currently insufficient to determine the role of this variant in disease. Therefore, it has been classified as a Variant of Uncertain Significance.

NM_030665.4(RAI1):c.3714C>G (p.Asn1238Lys)

Gene: RAI1 (retinoic acid induced 1; plus strand). Cytogenetic location: 17p11.2.
Variant type: single nucleotide variant.
Coding change: c.3714C>G on transcript NM_030665.4 (MANE Select); coding-DNA position 3714, C replaced by G.
Protein change: p.Asn1238Lys; replaces asparagine 1238 with lysine.
Molecular consequence: missense variant.
Genome position (GRCh38, 1-based): chr17:17,796,662, C>G. VCF-style: chr17-17796662-C-G. GRCh37 (hg19) VCF-style: chr17-17699976-C-G.
Other names: short protein forms N1238K.
Identifiers: ClinVar variation 3002389 (VCV003002389.3), dbSNP rs1244793666, ClinGen allele CA398554782.